The following is an entry in ClinVar:

NM_032444.4(SLX4):c.702G>C (p.Glu234Asp)

Gene: SLX4 (SLX4 structure-specific endonuclease subunit; minus strand). Cytogenetic location: 16p13.3.
Variant type: single nucleotide variant.
Coding change: c.702G>C on transcript NM_032444.4 (MANE Select); coding-DNA position 702, G replaced by C.
Protein change: p.Glu234Asp; replaces glutamic acid 234 with aspartic acid.
Molecular consequence: missense variant.
Genome position (GRCh38, 1-based): chr16:3,606,532, C>G on the plus strand (G>C on the coding strand, the complement: SLX4 is on the minus strand). VCF-style: chr16-3606532-C-G. GRCh37 (hg19) VCF-style: chr16-3656533-C-G.
Other names: short protein forms E234D.
Identifiers: ClinVar variation 1510413 (VCV001510413.5), dbSNP rs201161027, ClinGen allele CA7866782.
Genomic context (GRCh38, chr16:3,606,532, plus strand): 5'-ACCATTCCCCGCCATCATCTCCTCTTGAGGATCCTTTGGGACATTTTCTTCCCGCGCAGC[C>G]TCGAGGGAGCACTCTTCTGAAGCGTGTCTCAAACGCTCGGGGTCTGCTCTCTTGAACTGC-3'
Protein context (NP_115820.2, residues 224-244): LRHASEECSL[Glu234Asp]AAREENVPKD

ClinVar aggregate classification (germline): Uncertain significance (1 of 4 stars; one submission).

Conditions:
Fanconi anemia (FA). Also called: Fanconi's anemia. Identifiers: Orphanet 84, MedGen C0015625, MeSH D005199, MONDO:0019391.

Allele frequency attached by ClinVar (database versions not stated): TOPMed below 0.00001; gnomAD 0.00001.

Submission:

Labcorp Genetics (formerly Invitae), Labcorp
Classification: Uncertain significance for Fanconi anemia. Last evaluated: 2021-08-28. Review status: criteria provided, single submitter. Criteria: Invitae Variant Classification Sherloc (09022015). Collection method: clinical testing. Allele origin: germline.
Comment: This sequence change replaces glutamic acid with aspartic acid at codon 234 of the SLX4 protein (p.Glu234Asp). The glutamic acid residue is weakly conserved and there is a small physicochemical difference between glutamic acid and aspartic acid. This variant is present in population databases (rs201161027, ExAC 0.001%). This variant has not been reported in the literature in individuals affected with SLX4-related conditions. Algorithms developed to predict the effect of missense changes on protein structure and function (SIFT, PolyPhen-2, Align-GVGD) all suggest that this variant is likely to be tolerated. In summary, the available evidence is currently insufficient to determine the role of this variant in disease. Therefore, it has been classified as a Variant of Uncertain Significance.